The following is an entry in ClinVar:

NM_000481.4(AMT):c.714_724del (p.Gly239fs)

Gene: AMT (aminomethyltransferase; minus strand). Cytogenetic location: 3p21.31.
Variant type: Deletion.
Coding change: c.714_724del on transcript NM_000481.4 (MANE Select); coding-DNA positions 714 to 724, 11 bases deleted (GGGGGCAGTTC).
Protein change: p.Gly239fs; shifts the reading frame from glycine 239.
Molecular consequence: frameshift variant. On other transcripts: non-coding transcript variant (1).
Genome position (GRCh38, 1-based): chr3:49,419,124-49,419,134, GAACTGCCCCC deleted on the plus strand (GGGGGCAGTTC on the coding strand, the reverse complement: AMT is on the minus strand); deleting any 11 consecutive bases within chr3:49,419,124-49,419,135 gives the same sequence; the c. name uses the placement nearest the transcript's 3' end. VCF-style (leftmost placement, unchanged base first): chr3-49419123-TGAACTGCCCCC-T. GRCh37 (hg19) VCF-style: chr3-49456556-TGAACTGCCCCC-T.
Other names: c.582_592del, p.Gly195fs (NM_001164710.2); c.546_556del, p.Gly183fs (NM_001164711.2); c.714_724del, p.Gly239fs (NM_001164712.2); short protein forms G183fs, G195fs, G239fs.
Identifiers: ClinVar variation 2859185 (VCV002859185.3), dbSNP rs1171965250, ClinGen allele CA543049544.
Genomic context (GRCh38, chr3:49,419,123, plus strand): 5'-TCCCTGGCTGCCAGCCCTGCCAGCTTCACCTCTGGGTTTTTCAGAATAGCTGTTGCCAGG[TGAACTGCCCCC>T]GCTACCGGCACCGAGATCTGTATGAAACACCAGAGGGCAGATGGGAAGCTCCCTGTACCA-3'

ClinVar aggregate classification (germline): Pathogenic (1 of 4 stars; one submission).

Conditions:
Glycine encephalopathy. Also called: Nonketotic hyperglycinemia; Non-ketotic hyperglycinemia. Identifiers: Orphanet 407, MedGen C0751748, MONDO:0011612, HP:0008288.

Submission:

Labcorp Genetics (formerly Invitae), Labcorp
Classification: Pathogenic for Glycine encephalopathy. Last evaluated: 2024-01-22. Review status: criteria provided, single submitter. Criteria: Invitae Variant Classification Sherloc (09022015). Collection method: clinical testing. Allele origin: germline.
Comment: This sequence change creates a premature translational stop signal (p.Gly239Profs*34) in the AMT gene. It is expected to result in an absent or disrupted protein product. Loss-of-function variants in AMT are known to be pathogenic (PMID: 16450403). This variant is present in population databases (no rsID available, gnomAD 0.0009%). This variant has not been reported in the literature in individuals affected with AMT-related conditions. For these reasons, this variant has been classified as Pathogenic.

Literature cited by the submitters: PubMed 16450403.